The following is an entry in ClinVar:

NM_019112.4(ABCA7):c.4208del (p.Leu1403fs)

Gene: ABCA7 (ATP binding cassette subfamily A member 7; plus strand). Cytogenetic location: 19p13.3.
Variant type: Deletion.
Coding change: c.4208del on transcript NM_019112.4 (MANE Select); coding-DNA position 4208, one base deleted (T; older notation c.4208delT).
Protein change: p.Leu1403fs; shifts the reading frame from leucine 1403.
Molecular consequence: frameshift variant.
Genome position (GRCh38, 1-based): chr19:1,055,909, T deleted. VCF-style (leftmost placement, unchanged base first): chr19-1055908-CT-C. GRCh37 (hg19) VCF-style: chr19-1055907-CT-C.
Other names: c.4208delT (NM_019112.3); short protein forms L1403fs.
Identifiers: ClinVar variation 374415 (VCV000374415.47), dbSNP rs538591288, ClinGen allele CA9034378.

ClinVar aggregate classification (germline): Conflicting classifications of pathogenicity. Review status: criteria provided, conflicting classifications (1 of 4 stars). 3 submissions from 3 submitters: Likely pathogenic (1); Likely benign (1). 1 of the submissions does not count toward it. Last evaluated 2019-12-31.

Conditions:
ABCA7-related disorder. Also called: ABCA7-related condition.

Allele frequency attached by ClinVar (database versions not stated): gnomAD 0.00067 and 0.00076; TOPMed 0.00088; gnomAD exomes 0.00093 and 0.00137; ExAC 0.00110; 1000 Genomes Project 30x 0.00016; ESP Exome Variant Server 0.00064.

Submissions (3):

Labcorp Genetics (formerly Invitae), Labcorp
Classification: Likely benign. Last evaluated: 2019-12-31. Review status: criteria provided, single submitter. Criteria: Invitae Variant Classification Sherloc (09022015). Collection method: clinical testing. Allele origin: germline.

CeGaT Center for Human Genetics Tuebingen
Classification: Likely pathogenic. Last evaluated: 2017-08-01. Review status: criteria provided, single submitter. Criteria: CeGaT Center For Human Genetics Tuebingen Variant Classification Criteria Version 2. Collection method: clinical testing. Allele origin: germline. Affected: yes. Observed: 2 variant alleles.

PreventionGenetics, part of Exact Sciences
Classification: Likely pathogenic for ABCA7-related condition. Last evaluated: 2024-09-01. Review status: no assertion criteria provided. Collection method: clinical testing. Allele origin: germline. Not counted in ClinVar's aggregate classification.
Comment: The ABCA7 c.4208delT variant is predicted to result in a frameshift and premature protein termination (p.Leu1403Argfs*7). Loss of function variants in ABCA7 have been shown to be enriched in patients with Alzheimer’s disease (Le Guennec et al. 2016. PubMed ID: 27037229). This variant has been identified in patients with Alzheimer’s disease and with other non-Alzheimer’s disease neuropathologies (Le Guennec et al. 2016. PubMed ID: 27037229; Allen et al. 2017. PubMed ID: 28097223; Bellenguez et al. 2017. PubMed ID: 28789839; May et al. 2018. PubMed ID: 29577078). This variant has also been identified in control populations (Allen et al. 2017. PubMed ID: 28097223; Bellenguez et a. 2017. PubMed ID: 28789839; May et al. 2018. PubMed ID: 29577078). However, the control populations may have been too young for symptoms to be identified. Of note, one report identified the c.4208del variant in three family members, one was affected and two were children of the patient who were already experiencing occasional memory complications (May et al. 2018. PubMed ID: 29577078). Functional studies have shown that carriers of the c.4208del variant have decreased protein levels (odds ratio 2-4), but unchanged mRNA levels (OMIM #605414; Allen et al. 2017. PubMed ID: 28097223; De Roeck et al. 2017. PubMed ID: 28447221). Pathogenic alterations in the ABCA7 gene may display incomplete penetrance, or at least late-onset complete penetrance. Taken together, this variant is interpreted as likely pathogenic.